The following is an entry in ClinVar:

ClinVar aggregate classification (germline): Benign/Likely benign. Review status: criteria provided, multiple submitters, no conflicts (2 of 4 stars). 3 submissions from 3 submitters: Benign (1); Likely benign (1). 1 of the submissions does not count toward it. Last evaluated 2026-02-01.

Conditions:
GDF5OS-related condition.

Allele frequency attached by ClinVar (database versions not stated): gnomAD exomes 0.00017 and 0.00075; gnomAD 0.00021 and 0.00029; TOPMed 0.00036; ExAC 0.00068; 1000 Genomes Project 0.00180; 1000 Genomes Project 30x 0.00187.
gnomAD v4.1: 313 of 1,613,508 alleles (0.019%); highest among the groups gnomAD compares: East Asian, 0.54%; 5 homozygotes.

Submissions (3):

Labcorp Genetics (formerly Invitae), Labcorp
Classification: Benign. Last evaluated: 2026-02-01. Review status: criteria provided, single submitter. Criteria: Invitae Variant Classification Sherloc (09022015). Collection method: clinical testing. Allele origin: germline.

ARUP Laboratories, Molecular Genetics and Genomics, ARUP Laboratories
Classification: Likely benign. Last evaluated: 2022-03-15. Review status: criteria provided, single submitter. Criteria: ARUP Molecular Germline Variant Investigation Process 2021. Collection method: clinical testing. Allele origin: germline.

PreventionGenetics, part of Exact Sciences
Classification: Likely benign for GDF5OS-related condition. Last evaluated: 2023-01-03. Review status: no assertion criteria provided. Collection method: clinical testing. Allele origin: germline. Not counted in ClinVar's aggregate classification.
Comment: This variant is classified as likely benign based on ACMG/AMP sequence variant interpretation guidelines (Richards et al. 2015 PMID: 25741868, with internal and published modifications).

NM_000557.5(GDF5):c.979C>G (p.Leu327Val)

Genes: GDF5 (growth differentiation factor 5; minus strand), GDF5-AS1 (GDF5 antisense RNA 1; plus strand). Cytogenetic location: 20q11.22.
Variant type: single nucleotide variant.
Coding change: c.979C>G on transcript NM_000557.5 (MANE Select); coding-DNA position 979, C replaced by G.
Protein change: p.Leu327Val; replaces leucine 327 with valine.
Molecular consequence: missense variant. On other transcripts: non-coding transcript variant (1).
Genome position (GRCh38, 1-based): chr20:35,434,436, G>C on the plus strand (C>G on the coding strand, the complement: GDF5 is on the minus strand). VCF-style: chr20-35434436-G-C. GRCh37 (hg19) VCF-style: chr20-34022234-G-C.
Other names: NM_001355428.1:c.278G>C; c.979C>G, p.Leu327Val (NM_001319138.2); short protein forms L327V.
Identifiers: ClinVar variation 697206 (VCV000697206.20), dbSNP rs181772082, ClinGen allele CA9832196.
Genomic context (GRCh38, chr20:35,434,436, plus strand): 5'-GGCCAAACACCAGGAACAGGGCTTTCTCGTGGACCTGCCGGGCGGCGCGGTCGAAGCCCA[G>C]GCCACGGAGGTCCACGGCCCTGCCCCGTTCCCAGGCCTCCAGCTCCAGGCACAGCTGGGC-3'
Protein context (NP_000548.2, residues 317-337): ERGRAVDLRG[Leu327Val]GFDRAARQVH